The following is an entry in ClinVar:

NM_001161352.2(KCNMA1):c.1335-7T>A

Gene: KCNMA1 (potassium calcium-activated channel subfamily M alpha 1; minus strand). Cytogenetic location: 10q22.3.
Variant type: single nucleotide variant.
Coding change: c.1335-7T>A on transcript NM_001161352.2 (MANE Select); 7 bases into the intron before coding-DNA position 1335, T replaced by A.
Molecular consequence: intron variant.
Genome position (GRCh38, 1-based): chr10:77,086,600, A>T on the plus strand (T>A on the coding strand, the complement: KCNMA1 is on the minus strand). VCF-style: chr10-77086600-A-T. GRCh37 (hg19) VCF-style: chr10-78846358-A-T.
Other names: c.1173-7T>A (NM_001271518.2); c.1335-7T>A (NM_001322832.2, NM_001410940.1, NM_001322829.2 and 8 more transcripts); c.795-7T>A (NM_001322838.2).
Identifiers: ClinVar variation 3906479 (VCV003906479.1).
Genomic context (GRCh38, chr10:77,086,600, plus strand): 5'-ACCTGAGTAAAATGTCGTTTGAACAGAGCTTCAAGCTCCAGGTTGGGGGAGATGCTACAC[A>T]GGGAGAGAAGAAATCGCTATTAATTTAATGGACTCGGGGGTTTCAGCCTCCATGGGCTCC-3'

ClinVar aggregate classification (germline): Uncertain significance (1 of 4 stars; one submission).

gnomAD v4.1: 1 of 1,595,588 alleles (0.000063%); highest among the groups gnomAD compares: Non-Finnish European, 0.000086%; no homozygotes.

Submission:

GeneDx
Classification: Uncertain significance. Last evaluated: 2024-12-18. Review status: criteria provided, single submitter. Criteria: GeneDx Variant Classification Process June 2021. Collection method: clinical testing. Allele origin: germline. Affected: yes.
Comment: Not observed at significant frequency in large population cohorts (gnomAD); In silico analysis supports a deleterious effect on splicing; Has not been previously published as pathogenic or benign to our knowledge